The following is an entry in ClinVar:

NM_001366521.1(ATP2B1):c.209-3T>C

Gene: ATP2B1 (ATPase plasma membrane Ca2+ transporting 1; minus strand). Cytogenetic location: 12q21.33.
Variant type: single nucleotide variant.
Coding change: c.209-3T>C on transcript NM_001366521.1 (MANE Select); 3 bases into the intron before coding-DNA position 209, T replaced by C.
Molecular consequence: intron variant.
Genome position (GRCh38, 1-based): chr12:89,642,358, A>G on the plus strand (T>C on the coding strand, the complement: ATP2B1 is on the minus strand). VCF-style: chr12-89642358-A-G. GRCh37 (hg19) VCF-style: chr12-90036135-A-G.
Other names: c.209-7107T>C (NM_001413053.1, NM_001366530.1); c.209-3T>C (NM_001413060.1, NM_001366531.1, NM_001413056.1 and 23 more transcripts); c.209-7455T>C (NM_001413057.1).
Identifiers: ClinVar variation 3770803 (VCV003770803.13).

ClinVar aggregate classification (germline): Likely benign (1 of 4 stars; one submission).

gnomAD v4.1: 10 of 1,597,896 alleles (0.00063%); highest among the groups gnomAD compares: Admixed American, 0.014%; no homozygotes.

Submission:

CeGaT Center for Human Genetics Tuebingen
Classification: Likely benign. Last evaluated: 2025-02-01. Review status: criteria provided, single submitter. Criteria: CeGaT Center For Human Genetics Tuebingen Variant Classification Criteria Version 2. Collection method: clinical testing. Allele origin: germline. Affected: yes. Observed: 1 variant allele.
Comment: ATP2B1: BP4